The following is an entry in ClinVar:

ClinVar aggregate classification (germline): Uncertain significance (1 of 4 stars; one submission).

Submission:

Labcorp Genetics (formerly Invitae), Labcorp
Classification: Uncertain significance. Last evaluated: 2024-04-29. Review status: criteria provided, single submitter. Criteria: Invitae Variant Classification Sherloc (09022015). Collection method: clinical testing. Allele origin: germline.
Comment: This sequence change replaces leucine, which is neutral and non-polar, with isoleucine, which is neutral and non-polar, at codon 167 of the EMC1 protein (p.Leu167Ile). This variant is present in population databases (rs761159938, gnomAD 0.0009%). This variant has not been reported in the literature in individuals affected with EMC1-related conditions. Advanced modeling of protein sequence and biophysical properties (such as structural, functional, and spatial information, amino acid conservation, physicochemical variation, residue mobility, and thermodynamic stability) has been performed at Invitae for this missense variant, however the output from this modeling did not meet the statistical confidence thresholds required to predict the impact of this variant on EMC1 protein function. In summary, the available evidence is currently insufficient to determine the role of this variant in disease. Therefore, it has been classified as a Variant of Uncertain Significance.

NM_015047.3(EMC1):c.499C>A (p.Leu167Ile)

Gene: EMC1 (ER membrane protein complex subunit 1; minus strand). Cytogenetic location: 1p36.13.
Variant type: single nucleotide variant.
Coding change: c.499C>A on transcript NM_015047.3 (MANE Select); coding-DNA position 499, C replaced by A.
Protein change: p.Leu167Ile; replaces leucine 167 with isoleucine.
Molecular consequence: missense variant.
Genome position (GRCh38, 1-based): chr1:19,242,355, G>T on the plus strand (C>A on the coding strand, the complement: EMC1 is on the minus strand). VCF-style: chr1-19242355-G-T. GRCh37 (hg19) VCF-style: chr1-19568849-G-T.
Other names: c.499C>A, p.Leu167Ile (NM_001271427.2, NM_001271428.2, NM_001375820.1 and 1 more transcripts); c.433C>A, p.Leu145Ile (NM_001271429.2); short protein forms L145I, L167I.
Identifiers: ClinVar variation 3675632 (VCV003675632.2).